The following is an entry in ClinVar:

NM_000093.5(COL5A1):c.3382C>A (p.Gln1128Lys)

Gene: COL5A1 (collagen type V alpha 1 chain; plus strand). Cytogenetic location: 9q34.3.
Variant type: single nucleotide variant.
Coding change: c.3382C>A on transcript NM_000093.5 (MANE Select); coding-DNA position 3382, C replaced by A.
Protein change: p.Gln1128Lys; replaces glutamine 1128 with lysine.
Molecular consequence: missense variant.
Genome position (GRCh38, 1-based): chr9:134,809,198, C>A. VCF-style: chr9-134809198-C-A. GRCh37 (hg19) VCF-style: chr9-137701044-C-A.
Other names: c.3382C>A, p.Gln1128Lys (NM_001278074.1); short protein forms Q1128K.
Identifiers: ClinVar variation 936046 (VCV000936046.11), dbSNP rs1838417062, ClinGen allele CA375452833.

ClinVar aggregate classification (germline): Uncertain significance (1 of 4 stars; one submission).

Conditions:
Ehlers-Danlos syndrome, classic type, 1 (EDSCL1). Also called: Ehlers-Danlos syndrome, type 1; EHLERS-DANLOS SYNDROME, GRAVIS TYPE; EHLERS-DANLOS SYNDROME, SEVERE CLASSIC TYPE; EDS I; Ehlers-Danlos Syndrome, Classic Type, COL5A1-Related. Identifiers: MedGen C0268335, MONDO:0019567, OMIM 130000.

Submission:

Labcorp Genetics (formerly Invitae), Labcorp
Classification: Uncertain significance for Ehlers-Danlos syndrome, classic type, 1. Last evaluated: 2022-07-11. Review status: criteria provided, single submitter. Criteria: Invitae Variant Classification Sherloc (09022015). Collection method: clinical testing. Allele origin: germline.
Comment: This variant has not been reported in the literature in individuals affected with COL5A1-related conditions. This sequence change replaces glutamine, which is neutral and polar, with lysine, which is basic and polar, at codon 1128 of the COL5A1 protein (p.Gln1128Lys). This variant is not present in population databases (gnomAD no frequency). ClinVar contains an entry for this variant (Variation ID: 936046). Advanced modeling of protein sequence and biophysical properties (such as structural, functional, and spatial information, amino acid conservation, physicochemical variation, residue mobility, and thermodynamic stability) performed at Invitae indicates that this missense variant is not expected to disrupt COL5A1 protein function. In summary, the available evidence is currently insufficient to determine the role of this variant in disease. Therefore, it has been classified as a Variant of Uncertain Significance.